The following is an entry in ClinVar:

ClinVar aggregate classification (germline): Uncertain significance. Review status: criteria provided, multiple submitters, no conflicts (2 of 4 stars). 4 submissions from 4 submitters: Uncertain significance (4). Last evaluated 2025-09-26.

Conditions:
TTN-related disorder. Also called: TTN-related disorders; TTN-related condition; TTN-related disease.
Autosomal recessive limb-girdle muscular dystrophy type 2J (LGMDR10). Also called: Limb-girdle muscular dystrophy, type 2J; MUSCULAR DYSTROPHY, LIMB-GIRDLE, AUTOSOMAL RECESSIVE 10. Identifiers: Orphanet 140922, MedGen C1837342, MONDO:0012127, OMIM 608807.
Dilated cardiomyopathy 1G (CMD1G). Identifiers: Orphanet 154, MedGen C1858763, MONDO:0011400, OMIM 604145.
Cardiomyopathy (CMYO). Also called: Cardiomyopathies. Identifiers: Orphanet 167848, MedGen C0878544, MONDO:0004994, HP:0001638. Inheritance: Various modes of inheritance.

Allele frequency attached by ClinVar (database versions not stated): gnomAD exomes 0.00001 and 0.00002; ExAC 0.00002; gnomAD 0.00003; TOPMed 0.00003.
gnomAD v4.1: 20 of 1,613,832 alleles (0.0012%); highest among the groups gnomAD compares: African/African-American, 0.011%; no homozygotes.

Submissions (4):

PreventionGenetics, part of Exact Sciences
Classification: Uncertain significance for TTN-related condition. Last evaluated: 2025-09-26. Review status: criteria provided, single submitter. Criteria: ACMG Guidelines, 2015. Collection method: clinical testing. Allele origin: germline.
Comment: The TTN c.103364G>A variant is predicted to result in the amino acid substitution p.Arg34455His. To our knowledge, this variant has not been reported in the literature. This variant is reported in 0.015% of alleles in individuals of East Asian descent in gnomAD. At this time, the clinical significance of this variant is uncertain due to the absence of conclusive functional and genetic evidence.

GeneDx
Classification: Uncertain significance. Last evaluated: 2019-10-18. Review status: criteria provided, single submitter. Criteria: GeneDx Variant Classification Process June 2021. Collection method: clinical testing. Allele origin: germline. Affected: yes.
Comment: Not observed at a significant frequency in large population cohorts (Lek et al., 2016); Missense variant in a gene in which most reported pathogenic variants are truncating/loss-of-function; Has not been previously published as pathogenic or benign to our knowledge

Labcorp Genetics (formerly Invitae), Labcorp
Classification: Uncertain significance for Dilated cardiomyopathy 1G; Autosomal recessive limb-girdle muscular dystrophy type 2J. Last evaluated: 2016-10-29. Review status: criteria provided, single submitter. Criteria: Invitae Variant Classification Sherloc (09022015). Collection method: clinical testing. Allele origin: germline.

CHEO Genetics Diagnostic Laboratory, Children's Hospital of Eastern Ontario
Classification: Uncertain significance for Cardiomyopathy. Last evaluated: 2016-09-14. Review status: criteria provided, single submitter. Criteria: ACMG Guidelines, 2015. Collection method: clinical testing. Allele origin: germline. Study: Canadian Open Genetics Repository.

NM_001267550.2(TTN):c.103364G>A (p.Arg34455His)

Genes: TTN (titin; minus strand), TTN-AS1 (TTN antisense RNA 1; plus strand). Cytogenetic location: 2q31.2.
Variant type: single nucleotide variant.
Coding change: c.103364G>A on transcript NM_001267550.2 (MANE Select); coding-DNA position 103364, G replaced by A.
Protein change: p.Arg34455His; replaces arginine 34455 with histidine.
Molecular consequence: missense variant.
Genome position (GRCh38, 1-based): chr2:178,533,251, C>T on the plus strand (G>A on the coding strand, the complement: TTN is on the minus strand). VCF-style: chr2-178533251-C-T. GRCh37 (hg19) VCF-style: chr2-179397978-C-T.
Other names: c.98441G>A, p.Arg32814His (NM_001256850.1); c.76169G>A, p.Arg25390His (NM_003319.4); c.95660G>A, p.Arg31887His (NM_133378.4); c.76544G>A, p.Arg25515His (NM_133432.3); c.76745G>A, p.Arg25582His (NM_133437.4); short protein forms R34455H, R32814H, R25390H, R25515H, R25582H, R31887H.
Identifiers: ClinVar variation 405147 (VCV000405147.8), dbSNP rs756023873, ClinGen allele CA1985616.
Genomic context (GRCh38, chr2:178,533,251, plus strand): 5'-TTTTGTACGTGTCGCTCATGCTCCTCCTTACTCTTGAATTCCTGTTTCTTGTACCTCAGG[C>T]GTTCCACTTGTAGGTGAGCCTGGCAGCTGGTGGACCCAGCTGTGTTAGTGGCTGTGACTC-3'
Protein context (NP_001254479.2, residues 34445-34465): TSCQAHLQVE[Arg34455His]LRYKKQEFKS